The following is an entry in ClinVar:

ClinVar aggregate classification (germline): Pathogenic (1 of 4 stars; one submission).

Conditions:
Hereditary cancer-predisposing syndrome. Also called: Neoplastic Syndromes, Hereditary; Tumor predisposition; Hereditary neoplastic syndrome; Hereditary Cancer Syndrome. Identifiers: Orphanet 140162, MedGen C0027672, MeSH D009386, MONDO:0015356.

Submission:

Ambry Genetics
Classification: Pathogenic for Hereditary cancer-predisposing syndrome. Last evaluated: 2025-07-08. Review status: criteria provided, single submitter. Criteria: Ambry Variant Classification Scheme 2023. Collection method: clinical testing. Allele origin: germline.
Comment: The c.98_150+1488del1541 gross deletion includes a portion of coding exon 1 and involves the canonical splice donor site after coding exon 1 of the CDKN2A gene. The canonical splice donor site is highly conserved in available vertebrate species. Gross deletions are typically deleterious in nature, the impacted region is critical for protein function, and a significant portion of the protein is affected (Ambry internal data). As such, this alteration is interpreted as a disease-causing mutation.

NM_000077.5(CDKN2A):c.98_150+1488del

Gene: CDKN2A (cyclin dependent kinase inhibitor 2A; minus strand). Cytogenetic location: 9p21.3.
Variant type: Deletion.
Coding change: c.98_150+1488del on transcript NM_000077.5 (MANE Select); coding-DNA position 98 through 1488 bases into the intron after coding-DNA position 150, 1,541 bases deleted.
Molecular consequence: splice donor variant. On other transcripts: intron variant (2).
Genome position (GRCh38, 1-based): chr9:21,973,190-21,974,730, 1,541 bases deleted. GRCh37 (hg19): chr9:21,973,192-21,974,732.
Other names: c.-3-3522_-3-1982del (NM_001363763.2); c.194-3522_194-1982del (NM_058195.4); c.98_150+1488del (NM_001195132.2); c.98_*73+1214del (NM_058197.5).
Identifiers: ClinVar variation 4224771 (VCV004224771.1).